The following is an entry in ClinVar:

ClinVar aggregate classification (germline): Uncertain significance. Review status: criteria provided, multiple submitters, no conflicts (2 of 4 stars). 3 submissions from 3 submitters: Uncertain significance (3). Last evaluated 2025-04-20.

Conditions:
Inborn genetic diseases. Identifiers: MedGen C0950123, MeSH D030342.

Allele frequency attached by ClinVar (database versions not stated): gnomAD exomes below 0.00001; gnomAD 0.00001; TOPMed 0.00007.
gnomAD v4.1: 4 of 1,613,330 alleles (0.00025%); highest among the groups gnomAD compares: Admixed American, 0.005%; no homozygotes.

Submissions (3):

Ambry Genetics
Classification: Uncertain significance for Inborn genetic diseases. Last evaluated: 2025-04-20. Review status: criteria provided, single submitter. Criteria: Ambry Variant Classification Scheme 2023. Collection method: clinical testing. Allele origin: germline.

Labcorp Genetics (formerly Invitae), Labcorp
Classification: Uncertain significance. Last evaluated: 2024-10-26. Review status: criteria provided, single submitter. Criteria: Invitae Variant Classification Sherloc (09022015). Collection method: clinical testing. Allele origin: germline.
Comment: This sequence change replaces valine, which is neutral and non-polar, with alanine, which is neutral and non-polar, at codon 842 of the GRM6 protein (p.Val842Ala). This variant is present in population databases (no rsID available, gnomAD 0.008%). This variant has not been reported in the literature in individuals affected with GRM6-related conditions. ClinVar contains an entry for this variant (Variation ID: 1489966). Invitae Evidence Modeling of protein sequence and biophysical properties (such as structural, functional, and spatial information, amino acid conservation, physicochemical variation, residue mobility, and thermodynamic stability) indicates that this missense variant is not expected to disrupt GRM6 protein function with a negative predictive value of 95%. In summary, the available evidence is currently insufficient to determine the role of this variant in disease. Therefore, it has been classified as a Variant of Uncertain Significance.

Blueprint Genetics
Classification: Uncertain significance. Last evaluated: 2018-08-24. Review status: criteria provided, single submitter. Criteria: ACMG Guidelines, 2015. Collection method: clinical testing. Allele origin: germline.

NM_000843.4(GRM6):c.2525T>C (p.Val842Ala)

Genes: GRM6 (glutamate metabotropic receptor 6; minus strand), ZNF454 (zinc finger protein 454; plus strand). Cytogenetic location: 5q35.3.
Variant type: single nucleotide variant.
Coding change: c.2525T>C on transcript NM_000843.4 (MANE Select); coding-DNA position 2525, T replaced by C.
Protein change: p.Val842Ala; replaces valine 842 with alanine.
Molecular consequence: missense variant.
Genome position (GRCh38, 1-based): chr5:178,981,766, A>G on the plus strand (T>C on the coding strand, the complement: GRM6 is on the minus strand). VCF-style: chr5-178981766-A-G. GRCh37 (hg19) VCF-style: chr5-178408767-A-G.
Other names: c.2525T>C (NM_000843.3); short protein forms V842A.
Identifiers: ClinVar variation 1489966 (VCV001489966.7), dbSNP rs972036274, ClinGen allele CA133016475.